The following is an entry in ClinVar:

ClinVar aggregate classification (germline): Conflicting classifications of pathogenicity. Review status: criteria provided, conflicting classifications (1 of 4 stars). 2 submissions from 2 submitters: Uncertain significance (1); Likely benign (1). Last evaluated 2025-08-26.

Allele frequency attached by ClinVar (database versions not stated): gnomAD exomes 0.00002 and 0.00009; ExAC 0.00017; gnomAD 0.00022; TOPMed 0.00032; ESP Exome Variant Server 0.00033; 1000 Genomes Project 0.00060; 1000 Genomes Project 30x 0.00062.
gnomAD v4.1: 66 of 1,596,912 alleles (0.0041%); highest among the groups gnomAD compares: African/African-American, 0.083%; no homozygotes.

Submissions (2):

Labcorp Genetics (formerly Invitae), Labcorp
Classification: Uncertain significance. Last evaluated: 2025-08-26. Review status: criteria provided, single submitter. Criteria: Invitae Variant Classification Sherloc (09022015). Collection method: clinical testing. Allele origin: germline.
Comment: This sequence change replaces histidine, which is basic and polar, with leucine, which is neutral and non-polar, at codon 1900 of the KIAA1549 protein (p.His1900Leu). This variant is present in population databases (rs146544027, gnomAD 0.1%). This variant has not been reported in the literature in individuals affected with KIAA1549-related conditions. ClinVar contains an entry for this variant (Variation ID: 950799). An algorithm developed to predict the effect of missense changes on protein structure and function (PolyPhen-2) suggests that this variant is likely to be disruptive. In summary, the available evidence is currently insufficient to determine the role of this variant in disease. Therefore, it has been classified as a Variant of Uncertain Significance.

Blueprint Genetics
Classification: Likely benign. Last evaluated: 2023-11-06. Review status: criteria provided, single submitter. Criteria: ACMG Guidelines, 2015. Collection method: clinical testing. Allele origin: germline.

NM_001164665.2(KIAA1549):c.5699A>T (p.His1900Leu)

Gene: KIAA1549 (KIAA1549; minus strand). Cytogenetic location: 7q34.
Variant type: single nucleotide variant.
Coding change: c.5699A>T on transcript NM_001164665.2 (MANE Select); coding-DNA position 5699, A replaced by T.
Protein change: p.His1900Leu; replaces histidine 1900 with leucine.
Molecular consequence: missense variant.
Genome position (GRCh38, 1-based): chr7:138,838,060, T>A on the plus strand (A>T on the coding strand, the complement: KIAA1549 is on the minus strand). VCF-style: chr7-138838060-T-A. GRCh37 (hg19) VCF-style: chr7-138522805-T-A.
Other names: c.5651A>T, p.His1884Leu (NM_020910.3); short protein forms H1884L, H1900L.
Identifiers: ClinVar variation 950799 (VCV000950799.8), dbSNP rs146544027, ClinGen allele CA4505485.
Genomic context (GRCh38, chr7:138,838,060, plus strand): 5'-GGCTGGAGGTCTTCCGTGGAGCTGGTGGGGTAACCCAGCCCAGGGCCCTGCAGTCCCCGG[T>A]GGGGGAGGTTCCCGGAAGGAGCTGAGGGCTCCCTGCCTGAAGTCCTTGGCACCTGAAATA-3'
Protein context (NP_001158137.1, residues 1890-1910): EPSAPSGNLP[His1900Leu]RGLQGPGLGY